The following is an entry in ClinVar:

NM_006946.4(SPTBN2):c.4279-28A>T

Gene: SPTBN2 (spectrin beta, non-erythrocytic 2; minus strand). Cytogenetic location: 11q13.2.
Variant type: single nucleotide variant.
Coding change: c.4279-28A>T on transcript NM_006946.4 (MANE Select); 28 bases into the intron before coding-DNA position 4279, A replaced by T.
Molecular consequence: intron variant.
Genome position (GRCh38, 1-based): chr11:66,694,391, T>A on the plus strand (A>T on the coding strand, the complement: SPTBN2 is on the minus strand). VCF-style: chr11-66694391-T-A. GRCh37 (hg19) VCF-style: chr11-66461862-T-A.
Identifiers: ClinVar variation 1698254 (VCV001698254.2), dbSNP rs116705466, ClinGen allele CA6128628.

ClinVar aggregate classification (germline): Likely benign (1 of 4 stars; one submission).

Allele frequency attached by ClinVar (database versions not stated): gnomAD exomes 0.00067 and 0.00179; ExAC 0.00244; gnomAD 0.00700 and 0.00757; ESP Exome Variant Server 0.00708; 1000 Genomes Project 0.00719; TOPMed 0.00740; 1000 Genomes Project 30x 0.00812.
gnomAD v4.1: 2,071 of 1,608,592 alleles (0.13%); highest among the groups gnomAD compares: African/African-American, 2.4%; 30 homozygotes.

Submission:

GeneDx
Classification: Likely benign. Last evaluated: 2022-01-19. Review status: criteria provided, single submitter. Criteria: GeneDx Variant Classification Process June 2021. Collection method: clinical testing. Allele origin: germline. Affected: yes.
Comment: See Variant Classification Assertion Criteria.